The following is an entry in ClinVar:

ClinVar aggregate classification (germline): Conflicting classifications of pathogenicity. Review status: criteria provided, conflicting classifications (1 of 4 stars). 2 submissions from 2 submitters: Uncertain significance (1); Likely benign (1). Last evaluated 2025-12-13.

Conditions:
Hereditary cancer-predisposing syndrome. Also called: Neoplastic Syndromes, Hereditary; Hereditary neoplastic syndrome; Hereditary Cancer Syndrome; Tumor predisposition. Identifiers: Orphanet 140162, MedGen C0027672, MeSH D009386, MONDO:0015356.
Bloom syndrome (BLM). Also called: Bloom-Torre-Machacek syndrome. Identifiers: Orphanet 125, MedGen C0005859, MONDO:0008876, OMIM 210900.

Allele frequency attached by ClinVar (database versions not stated): gnomAD exomes below 0.00001; TOPMed below 0.00001; gnomAD 0.00001.
gnomAD v4.1: 6 of 1,612,370 alleles (0.00037%); highest among the groups gnomAD compares: Non-Finnish European, 0.00051%; no homozygotes.

Submissions (2):

Labcorp Genetics (formerly Invitae), Labcorp
Classification: Likely benign for Bloom syndrome. Last evaluated: 2025-12-13. Review status: criteria provided, single submitter. Criteria: Invitae Variant Classification Sherloc (09022015). Collection method: clinical testing. Allele origin: germline.

Ambry Genetics
Classification: Uncertain significance for Hereditary cancer-predisposing syndrome. Last evaluated: 2023-05-30. Review status: criteria provided, single submitter. Criteria: Ambry Variant Classification Scheme 2023. Collection method: clinical testing. Allele origin: germline.
Comment: The c.2663-5G>C intronic variant results from a G to C substitution 5 nucleotides upstream from coding exon 13 in the BLM gene. This nucleotide position is not well conserved in available vertebrate species. In silico splice site analysis predicts that this alteration will not have any significant effect on splicing. Since supporting evidence is limited at this time, the clinical significance of this alteration remains unclear.

NM_000057.4(BLM):c.2663-5G>C

Gene: BLM (BLM RecQ like helicase; plus strand). Cytogenetic location: 15q26.1.
Variant type: single nucleotide variant.
Coding change: c.2663-5G>C on transcript NM_000057.4 (MANE Select); 5 bases into the intron before coding-DNA position 2663, G replaced by C.
Molecular consequence: intron variant.
Genome position (GRCh38, 1-based): chr15:90,784,916, G>C. VCF-style: chr15-90784916-G-C. GRCh37 (hg19) VCF-style: chr15-91328146-G-C.
Other names: c.2663-5G>C (NM_001287246.2, NM_001287247.2, NM_000057.2); c.1538-5G>C (NM_001287248.2).
Identifiers: ClinVar variation 1626923 (VCV001626923.10), dbSNP rs1161787867, ClinGen allele CA717026556.